The following is an entry in ClinVar:

NM_001754.5(RUNX1):c.527C>A (p.Thr176Asn)

Genes: RUNX1 (RUNX family transcription factor 1; minus strand), RUNX1-AS1 (RUNX1 antisense RNA 1; plus strand). Cytogenetic location: 21q22.12.
Variant type: single nucleotide variant.
Coding change: c.527C>A on transcript NM_001754.5 (MANE Select); coding-DNA position 527, C replaced by A.
Protein change: p.Thr176Asn; replaces threonine 176 with asparagine.
Molecular consequence: missense variant.
Genome position (GRCh38, 1-based): chr21:34,859,560, G>T on the plus strand (C>A on the coding strand, the complement: RUNX1 is on the minus strand). VCF-style: chr21-34859560-G-T. GRCh37 (hg19) VCF-style: chr21-36231857-G-T.
Other names: NM_001754.5(RUNX1):c.527C>A; p.Thr176Asn; c.446C>A, p.Thr149Asn (NM_001001890.3, NM_001122607.2); short protein forms T149N, T176N.
Identifiers: ClinVar variation 1512969 (VCV001512969.7), dbSNP rs2146236580, ClinGen allele CA410208119.

ClinVar aggregate classification (germline): Uncertain significance. Review status: reviewed by expert panel (3 of 4 stars). 2 submissions from 2 submitters: Uncertain significance (1). 1 of the submissions does not count toward it. Last evaluated 2024-09-25.

Conditions:
Hereditary thrombocytopenia and hematologic cancer predisposition syndrome. Identifiers: Orphanet 71290, MedGen CN281654, MONDO:0011071.
Hereditary thrombocytopenia and hematological cancer predisposition syndrome associated with RUNX1. Also called: RUNX1 Familial Platelet Disorder with Associated Myeloid Malignancies; Familial Platelet Disorder with Propensity to Acute Myelogenous Leukemia; Familial thrombocytopenia with propensity to acute myelogenous leukemia; PLATELET DISORDER, ASPIRIN-LIKE. Identifiers: Orphanet 71290, MedGen C1832388, MeSH C563324, MONDO:0100083, OMIM 601399.

Submissions (2):

ClinGen Myeloid Malignancy Variant Curation Expert Panel
Classification: Uncertain significance for Hereditary thrombocytopenia and hematologic cancer predisposition syndrome. Last evaluated: 2024-09-25. Review status: reviewed by expert panel. Criteria: ClinGen MyeloMalig ACMG Specifications v2. Collection method: curation. Allele origin: germline. Inheritance: Autosomal dominant inheritance.
Comment: NM_001754.5(RUNX1):c.527C>A (p.Thr176Asn) is a missense variant which has a REVEL score ≥ 0.88 (0.94) (PP3). This variant affects a residue within the Runt Homology domain (AA 89-294) but does not impact a residue which has been established as a hotspot (PM1_Supporting). This variant is completely absent from all population databases with at least 20x coverage for RUNX1 (PM2_Supporting). In summary, the clinical significance of this variant is uncertain. ACMG/AMP criteria applied, as specified by the Myeloid Malignancy Variant Curation Expert Panel for RUNX1: PP3, PM1_supporting, PM2_supporting.

Labcorp Genetics (formerly Invitae), Labcorp
Classification: Uncertain significance for Hereditary thrombocytopenia and hematological cancer predisposition syndrome associated with RUNX1. Last evaluated: 2021-08-15. Review status: criteria provided, single submitter. Criteria: Invitae Variant Classification Sherloc (09022015). Collection method: clinical testing. Allele origin: germline. Not counted in ClinVar's aggregate classification.
Comment: In summary, the available evidence is currently insufficient to determine the role of this variant in disease. Therefore, it has been classified as a Variant of Uncertain Significance. Algorithms developed to predict the effect of missense changes on protein structure and function are either unavailable or do not agree on the potential impact of this missense change (SIFT: "Deleterious"; PolyPhen-2: "Possibly Damaging"; Align-GVGD: "Class C0"). This variant has not been reported in the literature in individuals affected with RUNX1-related conditions. This variant is not present in population databases (ExAC no frequency). This sequence change replaces threonine with asparagine at codon 176 of the RUNX1 protein (p.Thr176Asn). The threonine residue is highly conserved and there is a small physicochemical difference between threonine and asparagine.